The following is an entry in ClinVar:

ClinVar aggregate classification (germline): Uncertain significance (1 of 4 stars; one submission).

Conditions:
Fanconi anemia complementation group E (FANCE). Also called: FANCE-Related Fanconi Anemia. Identifiers: Orphanet 84, MedGen C3160739, MONDO:0010953, OMIM 600901.

Allele frequency attached by ClinVar (database versions not stated): TOPMed below 0.00001.
gnomAD v4.1: 1 of 1,614,182 alleles (0.000062%); highest among the groups gnomAD compares: Non-Finnish European, 0.000085%; no homozygotes.

Submission:

Labcorp Genetics (formerly Invitae), Labcorp
Classification: Uncertain significance for Fanconi anemia complementation group E. Last evaluated: 2025-07-21. Review status: criteria provided, single submitter. Criteria: Invitae Variant Classification Sherloc (09022015). Collection method: clinical testing. Allele origin: germline.
Comment: This sequence change replaces aspartic acid, which is acidic and polar, with glutamic acid, which is acidic and polar, at codon 338 of the FANCE protein (p.Asp338Glu). This variant is not present in population databases (gnomAD no frequency). This variant has not been reported in the literature in individuals affected with FANCE-related conditions. ClinVar contains an entry for this variant (Variation ID: 2739692). Invitae Evidence Modeling of protein sequence and biophysical properties (such as structural, functional, and spatial information, amino acid conservation, physicochemical variation, residue mobility, and thermodynamic stability) indicates that this missense variant is not expected to disrupt FANCE protein function with a negative predictive value of 80%. In summary, the available evidence is currently insufficient to determine the role of this variant in disease. Therefore, it has been classified as a Variant of Uncertain Significance.

NM_021922.3(FANCE):c.1014C>A (p.Asp338Glu)

Gene: FANCE (FA complementation group E; plus strand). Cytogenetic location: 6p21.31.
Variant type: single nucleotide variant.
Coding change: c.1014C>A on transcript NM_021922.3 (MANE Select); coding-DNA position 1014, C replaced by A.
Protein change: p.Asp338Glu; replaces aspartic acid 338 with glutamic acid.
Molecular consequence: missense variant.
Genome position (GRCh38, 1-based): chr6:35,458,341, C>A. VCF-style: chr6-35458341-C-A. GRCh37 (hg19) VCF-style: chr6-35426118-C-A.
Other names: c.1014C>A, p.Asp338Glu (NM_001410876.1); short protein forms D338E.
Identifiers: ClinVar variation 2739692 (VCV002739692.3), dbSNP rs1398022610, ClinGen allele CA363775118.